The following is an entry in ClinVar:

ClinVar aggregate classification (germline): Uncertain significance. Review status: criteria provided, multiple submitters, no conflicts (2 of 4 stars). 2 submissions from 2 submitters: Uncertain significance (2). Last evaluated 2023-12-12.

Submissions (2):

GeneDx
Classification: Uncertain significance. Last evaluated: 2023-12-12. Review status: criteria provided, single submitter. Criteria: GeneDx Variant Classification Process June 2021. Collection method: clinical testing. Allele origin: germline. Affected: yes.
Comment: Canonical splice site variant in a gene for which loss-of-function is not an established mechanism of disease; Has not been previously published as pathogenic or benign to our knowledge

Blueprint Genetics
Classification: Uncertain significance. Last evaluated: 2021-07-08. Review status: criteria provided, single submitter. Criteria: ACMG Guidelines, 2015. Collection method: clinical testing. Allele origin: germline.

NM_170682.4(P2RX2):c.635+2_635+5del

Gene: P2RX2 (purinergic receptor P2X 2; plus strand). Cytogenetic location: 12q24.33.
Variant type: Deletion.
Coding change: c.635+2_635+5del on transcript NM_170682.4 (MANE Select); the canonical splice donor site of the intron after coding-DNA position 635 through 5 bases into the intron after coding-DNA position 635, 4 bases deleted (TAAG; older notation c.635+2_635+5delTAAG).
Molecular consequence: splice donor variant.
Genome position (GRCh38, 1-based): chr12:132,620,349-132,620,352, TAAG deleted; deleting any 4 consecutive bases within chr12:132,620,346-132,620,352 gives the same sequence; the c. name uses the placement nearest the transcript's 3' end. VCF-style (leftmost placement, unchanged base first): chr12-132620345-CAAGT-C. GRCh37 (hg19) VCF-style: chr12-133196931-CAAGT-C.
Other names: c.635+2_635+5del (NM_001282165.2, NM_170683.4, NM_174873.3); c.563+2_563+5del (NM_016318.4); c.528+2_528+5del (NM_001282164.2); c.419+2_419+5del (NM_012226.5); c.359+2_359+5del (NM_174872.3).
Identifiers: ClinVar variation 3365362 (VCV003365362.2).